The following is an entry in ClinVar:

ClinVar aggregate classification (germline): Uncertain significance (1 of 4 stars; one submission).

Conditions:
Asphyxiating thoracic dystrophy 5 (SRTD5). Also called: SHORT-RIB THORACIC DYSPLASIA 5 WITH OR WITHOUT POLYDACTYLY; SHORT-RIB THORACIC DYSPLASIA 5 WITHOUT POLYDACTYLY. Identifiers: Orphanet 474, MedGen C3280598, MONDO:0013717, OMIM 614376.
Senior-Loken syndrome 8 (SLSN8). Identifiers: Orphanet 3156, MedGen C4225376, MONDO:0014579, OMIM 616307.

Allele frequency attached by ClinVar (database versions not stated): gnomAD 0.00001.
gnomAD v4.1: 3 of 1,613,504 alleles (0.00019%); highest among the groups gnomAD compares: African/African-American, 0.0013%; no homozygotes.

Submission:

Labcorp Genetics (formerly Invitae), Labcorp
Classification: Uncertain significance for Senior-Loken syndrome 8; Asphyxiating thoracic dystrophy 5. Last evaluated: 2021-04-02. Review status: criteria provided, single submitter. Criteria: Invitae Variant Classification Sherloc (09022015). Collection method: clinical testing. Allele origin: germline.
Comment: This sequence change replaces asparagine with lysine at codon 1322 of the WDR19 protein (p.Asn1322Lys). The asparagine residue is moderately conserved and there is a moderate physicochemical difference between asparagine and lysine. This variant is not present in population databases (ExAC no frequency). This variant has not been reported in the literature in individuals with WDR19-related conditions. Algorithms developed to predict the effect of missense changes on protein structure and function output the following: SIFT: "Tolerated"; PolyPhen-2: "Benign"; Align-GVGD: "Class C0". The lysine amino acid residue is found in multiple mammalian species, suggesting that this missense change does not adversely affect protein function. These predictions have not been confirmed by published functional studies and their clinical significance is uncertain. In summary, the available evidence is currently insufficient to determine the role of this variant in disease. Therefore, it has been classified as a Variant of Uncertain Significance.

NM_025132.4(WDR19):c.3966C>A (p.Asn1322Lys)

Gene: WDR19 (WD repeat domain 19; plus strand). Cytogenetic location: 4p14.
Variant type: single nucleotide variant.
Coding change: c.3966C>A on transcript NM_025132.4 (MANE Select); coding-DNA position 3966, C replaced by A.
Protein change: p.Asn1322Lys; replaces asparagine 1322 with lysine.
Molecular consequence: missense variant.
Genome position (GRCh38, 1-based): chr4:39,278,587, C>A. VCF-style: chr4-39278587-C-A. GRCh37 (hg19) VCF-style: chr4-39280207-C-A.
Other names: c.3486C>A, p.Asn1162Lys (NM_001317924.2); short protein forms N1162K, N1322K.
Identifiers: ClinVar variation 1361980 (VCV001361980.7), dbSNP rs767906377, ClinGen allele CA356654315.